The following is an entry in ClinVar:

NM_022124.6(CDH23):c.8459C>T (p.Thr2820Ile)

Gene: CDH23 (cadherin related 23; plus strand). Cytogenetic location: 10q22.1.
Variant type: single nucleotide variant.
Coding change: c.8459C>T on transcript NM_022124.6 (MANE Select); coding-DNA position 8459, C replaced by T.
Protein change: p.Thr2820Ile; replaces threonine 2820 with isoleucine.
Molecular consequence: missense variant.
Genome position (GRCh38, 1-based): chr10:71,807,666, C>T. VCF-style: chr10-71807666-C-T. GRCh37 (hg19) VCF-style: chr10-73567423-C-T.
Other names: c.1739C>T, p.Thr580Ile (NM_001171933.1, NM_001171934.1); short protein forms T2820I, T580I.
Identifiers: ClinVar variation 3603132 (VCV003603132.1).
Genomic context (GRCh38, chr10:71,807,666, plus strand): 5'-CCTTCATCGTCAAGGCCTCCAGCAATCGCAGCTGGACACCTCCCCGTGGACCCTCCCCAA[C>T]CCTCGACCTGGTTGCTGACCTCACACTGCAGGAGGTGCGCGTTGTGCTAGAGGACATCAA-3'
Protein context (NP_071407.4, residues 2810-2830): SWTPPRGPSP[Thr2820Ile]LDLVADLTLQ

ClinVar aggregate classification (germline): Uncertain significance (1 of 4 stars; one submission).

gnomAD v4.1: 15 of 1,613,864 alleles (0.00093%); highest among the groups gnomAD compares: South Asian, 0.0022%; no homozygotes.

Submission:

GeneDx
Classification: Uncertain significance. Last evaluated: 2024-08-08. Review status: criteria provided, single submitter. Criteria: GeneDx Variant Classification Process June 2021. Collection method: clinical testing. Allele origin: germline. Affected: yes.
Comment: Not observed at significant frequency in large population cohorts (gnomAD); In silico analysis indicates that this missense variant does not alter protein structure/function; Has not been previously published as pathogenic or benign to our knowledge